The following is an entry in ClinVar:

ClinVar aggregate classification (germline): Pathogenic (1 of 4 stars; one submission).

gnomAD v4.1: 3 of 1,614,130 alleles (0.00019%); highest among the groups gnomAD compares: Non-Finnish European, 0.00025%; no homozygotes.

Submission:

Labcorp Genetics (formerly Invitae), Labcorp
Classification: Pathogenic. Last evaluated: 2022-06-05. Review status: criteria provided, single submitter. Criteria: Invitae Variant Classification Sherloc (09022015). Collection method: clinical testing. Allele origin: germline.
Comment: For these reasons, this variant has been classified as Pathogenic. This variant has not been reported in the literature in individuals affected with NBAS-related conditions. This variant is not present in population databases (gnomAD no frequency). This sequence change creates a premature translational stop signal (p.Trp1856*) in the NBAS gene. It is expected to result in an absent or disrupted protein product. Loss-of-function variants in NBAS are known to be pathogenic (PMID: 26073778, 26541327, 27789416, 28031453).

Literature cited by the submitters: PubMed 26073778; PubMed 26541327; PubMed 27789416; PubMed 28031453.

NM_015909.4(NBAS):c.5568G>A (p.Trp1856Ter)

Gene: NBAS (NBAS subunit of NRZ tethering complex; minus strand). Cytogenetic location: 2p24.3.
Variant type: single nucleotide variant.
Coding change: c.5568G>A on transcript NM_015909.4 (MANE Select); coding-DNA position 5568, G replaced by A.
Protein change: p.Trp1856Ter; replaces tryptophan 1856 with a stop codon.
Molecular consequence: nonsense. On other transcripts: non-coding transcript variant (1).
Genome position (GRCh38, 1-based): chr2:15,275,640, C>T on the plus strand (G>A on the coding strand, the complement: NBAS is on the minus strand). VCF-style: chr2-15275640-C-T. GRCh37 (hg19) VCF-style: chr2-15415764-C-T.
Other names: short protein forms W1856*.
Identifiers: ClinVar variation 2000430 (VCV002000430.4), dbSNP rs779967314, ClinGen allele CA345882688.